The following is an entry in ClinVar:

NM_001430.5(EPAS1):c.338A>C (p.Glu113Ala)

Gene: EPAS1 (endothelial PAS domain protein 1; plus strand). Cytogenetic location: 2p21.
Variant type: single nucleotide variant.
Coding change: c.338A>C on transcript NM_001430.5 (MANE Select); coding-DNA position 338, A replaced by C.
Protein change: p.Glu113Ala; replaces glutamic acid 113 with alanine.
Molecular consequence: missense variant.
Genome position (GRCh38, 1-based): chr2:46,356,271, A>C. VCF-style: chr2-46356271-A-C. GRCh37 (hg19) VCF-style: chr2-46583410-A-C.
Other names: short protein forms E113A.
Identifiers: ClinVar variation 1730875 (VCV001730875.2), dbSNP rs2546450515, ClinGen allele CA346697923.

ClinVar aggregate classification (germline): Uncertain significance (1 of 4 stars; one submission).

Conditions:
Inborn genetic diseases. Identifiers: MedGen C0950123, MeSH D030342.

Submission:

Ambry Genetics
Classification: Uncertain significance for Inborn genetic diseases. Last evaluated: 2022-03-20. Review status: criteria provided, single submitter. Criteria: Ambry Variant Classification Scheme 2023. Collection method: clinical testing. Allele origin: germline.
Comment: The p.E113A variant (also known as c.338A>C), located in coding exon 3 of the EPAS1 gene, results from an A to C substitution at nucleotide position 338. The glutamic acid at codon 113 is replaced by alanine, an amino acid with dissimilar properties. This amino acid position is conserved. In addition, the in silico prediction for this alteration is inconclusive. Since supporting evidence is limited at this time, the clinical significance of this alteration remains unclear.